The following is an entry in ClinVar:

NM_016035.5(COQ4):c.662G>A (p.Trp221Ter)

Gene: COQ4 (coenzyme Q4; plus strand). Cytogenetic location: 9q34.11.
Variant type: single nucleotide variant.
Coding change: c.662G>A on transcript NM_016035.5 (MANE Select); coding-DNA position 662, G replaced by A.
Protein change: p.Trp221Ter; replaces tryptophan 221 with a stop codon.
Molecular consequence: nonsense. On other transcripts: 3 prime UTR variant (1).
Genome position (GRCh38, 1-based): chr9:128,333,509, G>A. VCF-style: chr9-128333509-G-A. GRCh37 (hg19) VCF-style: chr9-131095788-G-A.
Other names: c.*38G>A (NM_001305942.2); short protein forms W221*.
Identifiers: ClinVar variation 2102003 (VCV002102003.4), dbSNP rs1832448970, ClinGen allele CA375024376.

ClinVar aggregate classification (germline): Pathogenic (1 of 4 stars; one submission).

Conditions:
Neonatal encephalomyopathy-cardiomyopathy-respiratory distress syndrome. Also called: Coenzyme Q10 deficiency, primary, 7. Identifiers: Orphanet 457185, MedGen C5568562, MONDO:0014562, OMIM 616276.

Allele frequency attached by ClinVar (database versions not stated): TOPMed below 0.00001.

Submission:

Labcorp Genetics (formerly Invitae), Labcorp
Classification: Pathogenic for Neonatal encephalomyopathy-cardiomyopathy-respiratory distress syndrome. Last evaluated: 2025-04-07. Review status: criteria provided, single submitter. Criteria: Invitae Variant Classification Sherloc (09022015). Collection method: clinical testing. Allele origin: germline.
Comment: This sequence change creates a premature translational stop signal (p.Trp221*) in the COQ4 gene. While this is not anticipated to result in nonsense mediated decay, it is expected to disrupt the last 45 amino acid(s) of the COQ4 protein. This variant is not present in population databases (gnomAD no frequency). This variant has not been reported in the literature in individuals affected with COQ4-related conditions. ClinVar contains an entry for this variant (Variation ID: 2102003). This variant disrupts a region of the COQ4 protein in which other variant(s) (p.Arg240Cys) have been determined to be pathogenic (PMID: 25658047, 26185144, 32718099, 33704555). This suggests that this is a clinically significant region of the protein, and that variants that disrupt it are likely to be disease-causing. For these reasons, this variant has been classified as Pathogenic.

Literature cited by the submitters: PubMed 25658047; PubMed 26185144; PubMed 32718099; PubMed 33704555.